The following is an entry in ClinVar:

ClinVar aggregate classification (germline): Uncertain significance (1 of 4 stars; one submission).

Allele frequency attached by ClinVar (database versions not stated): gnomAD 0.00001; ExAC 0.00002; TOPMed 0.00002; ESP Exome Variant Server 0.00008.
gnomAD v4.1: 11 of 1,613,040 alleles (0.00068%); highest among the groups gnomAD compares: South Asian, 0.0022%; no homozygotes.

Submission:

Labcorp Genetics (formerly Invitae), Labcorp
Classification: Uncertain significance. Last evaluated: 2022-08-19. Review status: criteria provided, single submitter. Criteria: Invitae Variant Classification Sherloc (09022015). Collection method: clinical testing. Allele origin: germline.
Comment: This sequence change replaces arginine, which is basic and polar, with histidine, which is basic and polar, at codon 467 of the TCIRG1 protein (p.Arg467His). This variant is present in population databases (rs370981468, gnomAD 0.003%). This variant has not been reported in the literature in individuals affected with TCIRG1-related conditions. Algorithms developed to predict the effect of missense changes on protein structure and function are either unavailable or do not agree on the potential impact of this missense change (SIFT: "Deleterious"; PolyPhen-2: "Probably Damaging"; Align-GVGD: "Class C0"). In summary, the available evidence is currently insufficient to determine the role of this variant in disease. Therefore, it has been classified as a Variant of Uncertain Significance.

NM_006019.4(TCIRG1):c.1400G>A (p.Arg467His)

Gene: TCIRG1 (T cell immune regulator 1, ATPase H+ transporting V0 subunit a3; plus strand). Cytogenetic location: 11q13.2.
Variant type: single nucleotide variant.
Coding change: c.1400G>A on transcript NM_006019.4 (MANE Select); coding-DNA position 1400, G replaced by A.
Protein change: p.Arg467His; replaces arginine 467 with histidine.
Molecular consequence: missense variant.
Genome position (GRCh38, 1-based): chr11:68,047,741, G>A. VCF-style: chr11-68047741-G-A. GRCh37 (hg19) VCF-style: chr11-67815208-G-A.
Other names: c.506G>A, p.Arg169His (NM_001351059.2); c.752G>A, p.Arg251His (NM_006053.4); short protein forms R467H, R251H, R169H.
Identifiers: ClinVar variation 2186423 (VCV002186423.1), dbSNP rs370981468, ClinGen allele CA6147094.